The following is an entry in ClinVar:

NM_001205293.3(CACNA1E):c.4545C>T (p.Ile1515=)

Gene: CACNA1E (calcium voltage-gated channel subunit alpha1 E; plus strand). Cytogenetic location: 1q25.3.
Variant type: single nucleotide variant.
Coding change: c.4545C>T on transcript NM_001205293.3 (MANE Select); coding-DNA position 4545, C replaced by T.
Protein change: p.Ile1515=; no amino-acid change (isoleucine 1515 retained).
Molecular consequence: synonymous variant.
Genome position (GRCh38, 1-based): chr1:181,758,808, C>T. VCF-style: chr1-181758808-C-T. GRCh37 (hg19) VCF-style: chr1-181727944-C-T.
Other names: c.4545C>T, p.Ile1515= (NM_000721.4); c.4488C>T, p.Ile1496= (NM_001205294.2).
Identifiers: ClinVar variation 710394 (VCV000710394.38), dbSNP rs182225778, ClinGen allele CA1275868.

ClinVar aggregate classification (germline): Benign/Likely benign. Review status: criteria provided, multiple submitters, no conflicts (2 of 4 stars). 6 submissions from 6 submitters: Benign (2); Likely benign (3). 1 of the submissions does not count toward it. Last evaluated 2026-01-19.

Conditions:
Developmental and epileptic encephalopathy, 69. Also called: EPILEPTIC ENCEPHALOPATHY, EARLY INFANTILE, 69. Identifiers: MedGen C4748988, MONDO:0032657, OMIM 618285.
CACNA1E-related disorder. Also called: CACNA1E-related condition.

Allele frequency attached by ClinVar (database versions not stated): gnomAD exomes 0.00009 and 0.00020; ExAC 0.00018; 1000 Genomes Project 0.00060; 1000 Genomes Project 30x 0.00062; gnomAD 0.00064 and 0.00068; ESP Exome Variant Server 0.00074; TOPMed 0.00081.
gnomAD v4.1: 231 of 1,612,980 alleles (0.014%); highest among the groups gnomAD compares: African/African-American, 0.24%; 1 homozygote.

Submissions (6):

Labcorp Genetics (formerly Invitae), Labcorp
Classification: Likely benign. Last evaluated: 2026-01-19. Review status: criteria provided, single submitter. Criteria: Invitae Variant Classification Sherloc (09022015). Collection method: clinical testing. Allele origin: germline.

Blueprint Genetics
Classification: Likely benign. Last evaluated: 2024-07-08. Review status: criteria provided, single submitter. Criteria: ACMG Guidelines, 2015. Collection method: clinical testing. Allele origin: germline.

CeGaT Center for Human Genetics Tuebingen
Classification: Likely benign. Last evaluated: 2023-12-01. Review status: criteria provided, single submitter. Criteria: CeGaT Center For Human Genetics Tuebingen Variant Classification Criteria Version 2. Collection method: clinical testing. Allele origin: germline. Affected: yes. Observed: 2 variant alleles.
Comment: CACNA1E: BP4, BP7

Genome-Nilou Lab
Classification: Benign for Developmental and epileptic encephalopathy, 69. Last evaluated: 2023-04-11. Review status: criteria provided, single submitter. Criteria: ACMG Guidelines, 2015. Collection method: clinical testing. Allele origin: germline. Affected: no.

GeneDx
Classification: Benign. Last evaluated: 2021-08-13. Review status: criteria provided, single submitter. Criteria: GeneDx Variant Classification Process June 2021. Collection method: clinical testing. Allele origin: germline. Affected: yes.

PreventionGenetics, part of Exact Sciences
Classification: Likely benign for CACNA1E-related condition. Last evaluated: 2019-02-28. Review status: no assertion criteria provided. Collection method: clinical testing. Allele origin: germline. Not counted in ClinVar's aggregate classification.
Comment: This variant is classified as likely benign based on ACMG/AMP sequence variant interpretation guidelines (Richards et al. 2015 PMID: 25741868, with internal and published modifications).